The following is an entry in ClinVar:

ClinVar aggregate classification (germline): Uncertain significance (1 of 4 stars; one submission).

Conditions:
Epilepsy. Also called: Seizure disorder. Identifiers: MedGen C0014544, MeSH D004827, MONDO:0005027.

Submission:

Labcorp Genetics (formerly Invitae), Labcorp
Classification: Uncertain significance for Epilepsy. Last evaluated: 2022-04-20. Review status: criteria provided, single submitter. Criteria: Invitae Variant Classification Sherloc (09022015). Collection method: clinical testing. Allele origin: germline.
Comment: This sequence change replaces histidine, which is basic and polar, with tyrosine, which is neutral and polar, at codon 485 of the PIGQ protein (p.His485Tyr). This variant is not present in population databases (gnomAD no frequency). This variant has not been reported in the literature in individuals affected with PIGQ-related conditions. Algorithms developed to predict the effect of missense changes on protein structure and function are either unavailable or do not agree on the potential impact of this missense change (SIFT: "Tolerated"; PolyPhen-2: "Possibly Damaging"; Align-GVGD: "Class C0"). In summary, the available evidence is currently insufficient to determine the role of this variant in disease. Therefore, it has been classified as a Variant of Uncertain Significance.

NM_004204.5(PIGQ):c.1453C>T (p.His485Tyr)

Gene: PIGQ (phosphatidylinositol glycan anchor biosynthesis class Q; plus strand). Cytogenetic location: 16p13.3.
Variant type: single nucleotide variant.
Coding change: c.1453C>T on transcript NM_004204.5 (MANE Select); coding-DNA position 1453, C replaced by T.
Protein change: p.His485Tyr; replaces histidine 485 with tyrosine.
Molecular consequence: missense variant.
Genome position (GRCh38, 1-based): chr16:580,894, C>T. VCF-style: chr16-580894-C-T. GRCh37 (hg19) VCF-style: chr16-630894-C-T.
Other names: c.1453C>T, p.His485Tyr (NM_148920.4); short protein forms H485Y.
Identifiers: ClinVar variation 1975912 (VCV001975912.2), dbSNP rs2505939844, ClinGen allele CA394059127.
Genomic context (GRCh38, chr16:580,894, plus strand): 5'-GTCCTAAATGCTCCTCTGCCACAGCTCCGGCTCCTGGTGGTCGCCGTGCAGGGCCTGATC[C>T]ATCTGCTCGTGGACCTCATCAACTCCCTGCCGCTGTACTCACTGGGTCTTCGGCTCTGCC-3'
Protein context (NP_004195.2, residues 475-495): LLVVAVQGLI[His485Tyr]LLVDLINSLP